The following is an entry in ClinVar:

ClinVar aggregate classification (germline): Likely pathogenic (1 of 4 stars; one submission).

Conditions:
Joubert syndrome 17 (JBTS17). Identifiers: Orphanet 475, MedGen C3553264, MONDO:0013824, OMIM 614615.

Submission:

Lifecell International Pvt. Ltd
Classification: Likely pathogenic for Joubert syndrome 17. Review status: criteria provided, single submitter. Criteria: ACMG Guidelines, 2015. Collection method: clinical testing. Allele origin: germline. Inheritance: Autosomal recessive inheritance. Affected: yes. Observed: 1 compound heterozygote.
Comment: A Heterozygous Frameshift variant c.6114delA in Exon 32 of the CPLANE1 gene that results in the amino acid substitution p.Asp2039fs*17 was identified. The observed variant has a minor allele frequency of 0% in gnomAD exomes and genomes, respectively. The severity of the impact of this variant on the protein is high, based on the effect of the protein and REVEL score . Rare Exome Variant Ensemble Learner (REVEL) is an ensembl method for predicting the pathogenicity of missense variants based on a combination of scores from 13 individual tools: MutPred, FATHMM v2.3, VEST 3.0, PolyPhen-2, SIFT, PROVEAN, MutationAssessor, MutationTaster, LRT, GERP++, SiPhy, phyloP, and phastCons. The REVEL score for an individual missense variant can range from 0 to 1, with higher scores reflecting greater likelihood that the variant is disease-causing. Based on the above evidence this variant has been classified as Likely Pathogenic according to the ACMG guidelines.

NM_001384732.1(CPLANE1):c.6114del (p.Asp2039fs)

Gene: CPLANE1 (ciliogenesis and planar polarity effector complex subunit 1; minus strand). Cytogenetic location: 5p13.2.
Variant type: Deletion.
Coding change: c.6114del on transcript NM_001384732.1 (MANE Select); coding-DNA position 6114, one base deleted (A; older notation c.6114delA).
Protein change: p.Asp2039fs; shifts the reading frame from aspartic acid 2039.
Molecular consequence: frameshift variant.
Genome position (GRCh38, 1-based): chr5:37,173,812, T deleted on the plus strand (A on the coding strand, the reverse complement: CPLANE1 is on the minus strand). VCF-style (leftmost placement, unchanged base first): chr5-37173811-CT-C. GRCh37 (hg19) VCF-style: chr5-37173913-CT-C.
Other names: c.6114del, p.Asp2039fs (NM_023073.4); c.6114delA (NM_023073.4); short protein forms D2039fs.
Identifiers: ClinVar variation 2446729 (VCV002446729.2), dbSNP rs2547674026, ClinGen allele CA2580073234.